The following is an entry in ClinVar:

NM_001035.3(RYR2):c.3021G>A (p.Trp1007Ter)

Gene: RYR2 (ryanodine receptor 2; plus strand). Cytogenetic location: 1q43.
Variant type: single nucleotide variant.
Coding change: c.3021G>A on transcript NM_001035.3 (MANE Select); coding-DNA position 3021, G replaced by A.
Protein change: p.Trp1007Ter; replaces tryptophan 1007 with a stop codon.
Molecular consequence: nonsense.
Genome position (GRCh38, 1-based): chr1:237,548,545, G>A. VCF-style: chr1-237548545-G-A. GRCh37 (hg19) VCF-style: chr1-237711845-G-A.
Other names: short protein forms W1007*.
Identifiers: ClinVar variation 3069410 (VCV003069410.1), dbSNP rs2546277596, ClinGen allele CA345393664.
Genomic context (GRCh38, chr1:237,548,545, plus strand): 5'-ACTCACCCCATCACAAGAAGCAATGGTGGACAAGTTGGCAGAAAATGCACATAATGTGTG[G>A]GCGCGGGATCGAATCCGGCAGGGCTGGACTTATGGCATCCAACAGGTACATGGGAATTAG-3'

ClinVar aggregate classification (germline): Uncertain significance (1 of 4 stars; one submission).

Conditions:
Catecholaminergic polymorphic ventricular tachycardia (CVPT). Also called: Catecholamine-induced polymorphic ventricular tachycardia. Identifiers: Orphanet 3286, MedGen C5574922, MONDO:0017990.

Submission:

All of Us Research Program, National Institutes of Health
Classification: Uncertain significance for Catecholaminergic polymorphic ventricular tachycardia. Last evaluated: 2023-02-10. Review status: criteria provided, single submitter. Criteria: ACMG Guidelines, 2015. Collection method: clinical testing. Allele origin: germline. Inheritance: Autosomal dominant inheritance. Observed: 1 variant allele, 1 heterozygote.
Comment: This study involves interpretation of variants in research participants for the purpose of population health screening. Participant phenotype was not available at the time of variant classification. Additional details can be found in publication PMID: 35346344, PMCID: PMC8962531